The following is an entry in ClinVar:

NM_001267550.2(TTN):c.100172-3T>C

Genes: TTN (titin; minus strand), TTN-AS1 (TTN antisense RNA 1; plus strand), LOC126806420 (BRD4-independent group 4 enhancer GRCh37_chr2:179401104-179402303; plus strand). Cytogenetic location: 2q31.2.
Variant type: single nucleotide variant.
Coding change: c.100172-3T>C on transcript NM_001267550.2 (MANE Select); 3 bases into the intron before coding-DNA position 100172, T replaced by C.
Molecular consequence: intron variant.
Genome position (GRCh38, 1-based): chr2:178,536,578, A>G on the plus strand (T>C on the coding strand, the complement: TTN is on the minus strand). VCF-style: chr2-178536578-A-G. GRCh37 (hg19) VCF-style: chr2-179401305-A-G.
Other names: c.72977-3T>C (NM_003319.4); c.73553-3T>C (NM_133437.4); c.73352-3T>C (NM_133432.3); c.92468-3T>C (NM_133378.4); c.95249-3T>C (NM_001256850.1).
Identifiers: ClinVar variation 660870 (VCV000660870.11), dbSNP rs1312922352, ClinGen allele CA761279511.

ClinVar aggregate classification (germline): Uncertain significance. Review status: criteria provided, multiple submitters, no conflicts (2 of 4 stars). 2 submissions from 2 submitters: Uncertain significance (2). Last evaluated 2022-08-10.

Conditions:
Cardiovascular phenotype. Identifiers: MedGen CN230736.
Autosomal recessive limb-girdle muscular dystrophy type 2J (LGMDR10). Also called: Limb-girdle muscular dystrophy, type 2J; MUSCULAR DYSTROPHY, LIMB-GIRDLE, AUTOSOMAL RECESSIVE 10. Identifiers: Orphanet 140922, MedGen C1837342, MONDO:0012127, OMIM 608807.
Dilated cardiomyopathy 1G (CMD1G). Identifiers: Orphanet 154, MedGen C1858763, MONDO:0011400, OMIM 604145.

Allele frequency attached by ClinVar (database versions not stated): gnomAD exomes below 0.00001; TOPMed 0.00001.
gnomAD v4.1: 3 of 1,490,688 alleles (0.0002%); highest among the groups gnomAD compares: South Asian, 0.0015%; no homozygotes.

Submissions (2):

Labcorp Genetics (formerly Invitae), Labcorp
Classification: Uncertain significance for Dilated cardiomyopathy 1G; Autosomal recessive limb-girdle muscular dystrophy type 2J. Last evaluated: 2022-08-10. Review status: criteria provided, single submitter. Criteria: Invitae Variant Classification Sherloc (09022015). Collection method: clinical testing. Allele origin: germline.
Comment: This variant is located in the A band of TTN (PMID: 25589632). Variants in this region may be relevant for cardiac or neuromuscular disorders (PMID: 25589632, 23975875). In summary, the available evidence is currently insufficient to determine the role of this variant in disease. Therefore, it has been classified as a Variant of Uncertain Significance. Variants that disrupt the consensus splice site are a relatively common cause of aberrant splicing (PMID: 17576681, 9536098). Algorithms developed to predict the effect of sequence changes on RNA splicing suggest that this variant is not likely to affect RNA splicing. ClinVar contains an entry for this variant (Variation ID: 660870). This variant has not been reported in the literature in individuals affected with TTN-related conditions. This variant is not present in population databases (gnomAD no frequency). This sequence change falls in intron 356 of the TTN gene. It does not directly change the encoded amino acid sequence of the TTN protein. It affects a nucleotide within the consensus splice site.

Ambry Genetics
Classification: Uncertain significance for Cardiovascular phenotype. Last evaluated: 2020-12-23. Review status: criteria provided, single submitter. Criteria: Ambry Variant Classification Scheme 2023. Collection method: clinical testing. Allele origin: germline.
Comment: The c.72977-3T>C intronic variant results from a T to C substitution 3 nucleotides upstream from coding exon 184 in the TTN gene. This nucleotide position is poorly conserved in available vertebrate species. In silico splice site analysis predicts that this alteration will not have any significant effect on splicing. Since supporting evidence is limited at this time, the clinical significance of this alteration remains unclear.

Literature cited by the submitters: PubMed 25589632 (cited by Labcorp Genetics (formerly Invitae), Labcorp); PubMed 23975875 (cited by Labcorp Genetics (formerly Invitae), Labcorp); PubMed 17576681 (cited by Labcorp Genetics (formerly Invitae), Labcorp); PubMed 9536098 (cited by Labcorp Genetics (formerly Invitae), Labcorp).